The following is an entry in ClinVar:

ClinVar aggregate classification (germline): Uncertain significance (1 of 4 stars; one submission).

Submission:

Labcorp Genetics (formerly Invitae), Labcorp
Classification: Uncertain significance. Last evaluated: 2025-04-07. Review status: criteria provided, single submitter. Criteria: Invitae Variant Classification Sherloc (09022015). Collection method: clinical testing. Allele origin: germline.
Comment: This variant, c.266_268del, results in the deletion of 1 amino acid(s) of the HOXB13 protein (p.Ser89del), but otherwise preserves the integrity of the reading frame. This variant is not present in population databases (gnomAD no frequency). This variant has not been reported in the literature in individuals affected with HOXB13-related conditions. ClinVar contains an entry for this variant (Variation ID: 1523714). Experimental studies and prediction algorithms are not available or were not evaluated, and the functional significance of this variant is currently unknown. In summary, the available evidence is currently insufficient to determine the role of this variant in disease. Therefore, it has been classified as a Variant of Uncertain Significance.

NM_006361.6(HOXB13):c.266_268del (p.Ser89del)

Gene: HOXB13 (homeobox B13; minus strand). Cytogenetic location: 17q21.32.
Variant type: Deletion.
Coding change: c.266_268del on transcript NM_006361.6 (MANE Select); coding-DNA positions 266 to 268, 3 bases deleted (CCT; older notation c.266_268delCCT).
Protein change: p.Ser89del; deletes serine 89.
Molecular consequence: inframe deletion.
Genome position (GRCh38, 1-based): chr17:48,728,326-48,728,328, AGG deleted on the plus strand (CCT on the coding strand, the reverse complement: HOXB13 is on the minus strand); deleting any 3 consecutive bases within chr17:48,728,326-48,728,330 gives the same sequence; the c. name uses the placement nearest the transcript's 3' end. VCF-style (leftmost placement, unchanged base first): chr17-48728325-CAGG-C. GRCh37 (hg19) VCF-style: chr17-46805687-CAGG-C.
Other names: short protein forms S89del.
Identifiers: ClinVar variation 1523714 (VCV001523714.8), dbSNP rs2143073239, ClinGen allele CA2573154108.